The following is an entry in ClinVar:

ClinVar aggregate classification (germline): Uncertain significance. Review status: criteria provided, multiple submitters, no conflicts (2 of 4 stars). 3 submissions from 3 submitters: Uncertain significance (2). 1 of the submissions does not count toward it. Last evaluated 2025-05-14.

Conditions:
Inborn genetic diseases. Identifiers: MedGen C0950123, MeSH D030342.
Intellectual disability. Also called: intellectual disabilities; Intellectual developmental disorder; Intellectual functioning disability. Identifiers: MedGen C3714756, MeSH D008607, MONDO:0001071, HP:0001249.

Allele frequency attached by ClinVar (database versions not stated): ESP Exome Variant Server 0.00008; TOPMed 0.00001.
gnomAD v4.1: 22 of 1,612,772 alleles (0.0014%); highest among the groups gnomAD compares: Non-Finnish European, 0.0017%; no homozygotes.

Submissions (3):

Ambry Genetics
Classification: Uncertain significance for Inborn genetic diseases. Last evaluated: 2025-05-14. Review status: criteria provided, single submitter. Criteria: Ambry Variant Classification Scheme 2023. Collection method: clinical testing. Allele origin: germline.

Labcorp Genetics (formerly Invitae), Labcorp
Classification: Uncertain significance. Last evaluated: 2024-10-29. Review status: criteria provided, single submitter. Criteria: Invitae Variant Classification Sherloc (09022015). Collection method: clinical testing. Allele origin: germline.
Comment: This sequence change replaces glycine, which is neutral and non-polar, with arginine, which is basic and polar, at codon 252 of the AUTS2 protein (p.Gly252Arg). This variant is present in population databases (rs145046813, gnomAD 0.003%). This variant has not been reported in the literature in individuals affected with AUTS2-related conditions. ClinVar contains an entry for this variant (Variation ID: 975657). An algorithm developed to predict the effect of missense changes on protein structure and function (PolyPhen-2) suggests that this variant is likely to be disruptive. In summary, the available evidence is currently insufficient to determine the role of this variant in disease. Therefore, it has been classified as a Variant of Uncertain Significance.

Centre de Biologie Pathologie Génétique, Centre Hospitalier Universitaire de Lille
Classification: Likely benign for Intellectual disability. Last evaluated: 2019-01-01. Review status: no assertion criteria provided. Collection method: clinical testing. Allele origin: inherited. Affected: yes. Not counted in ClinVar's aggregate classification.

NM_015570.4(AUTS2):c.754G>C (p.Gly252Arg)

Gene: AUTS2 (activator of transcription and developmental regulator AUTS2; plus strand). Cytogenetic location: 7q11.22.
Variant type: single nucleotide variant.
Coding change: c.754G>C on transcript NM_015570.4 (MANE Select); coding-DNA position 754, G replaced by C.
Protein change: p.Gly252Arg; replaces glycine 252 with arginine.
Molecular consequence: missense variant.
Genome position (GRCh38, 1-based): chr7:70,762,881, G>C. VCF-style: chr7-70762881-G-C. GRCh37 (hg19) VCF-style: chr7-70227867-G-C.
Other names: c.754G>C, p.Gly252Arg (NM_001127231.3); c.754G>C (NM_015570.2); short protein forms G252R.
Identifiers: ClinVar variation 975657 (VCV000975657.4), dbSNP rs145046813, ClinGen allele CA4280484.